The following is an entry in ClinVar:

ClinVar aggregate classification (germline): Uncertain significance (1 of 4 stars; one submission).

Submission:

Ambry Genetics
Classification: Uncertain significance. Last evaluated: 2024-10-14. Review status: criteria provided, single submitter. Criteria: Ambry Variant Classification Scheme 2023. Collection method: clinical testing. Allele origin: germline.
Comment: The p.P910R variant (also known as c.2729C>G), located in coding exon 13 of the NPAT gene, results from a C to G substitution at nucleotide position 2729. The proline at codon 910 is replaced by arginine, an amino acid with dissimilar properties. This amino acid position is conserved. In addition, the in silico prediction for this alteration is inconclusive. Based on the available evidence, the clinical significance of this variant remains unclear.

NM_002519.3(NPAT):c.2729C>G (p.Pro910Arg)

Gene: NPAT (nuclear protein, coactivator of histone transcription; minus strand). Cytogenetic location: 11q22.3.
Variant type: single nucleotide variant.
Coding change: c.2729C>G on transcript NM_002519.3 (MANE Select); coding-DNA position 2729, C replaced by G.
Protein change: p.Pro910Arg; replaces proline 910 with arginine.
Molecular consequence: missense variant.
Genome position (GRCh38, 1-based): chr11:108,172,255, G>C on the plus strand (C>G on the coding strand, the complement: NPAT is on the minus strand). VCF-style: chr11-108172255-G-C. GRCh37 (hg19) VCF-style: chr11-108042982-G-C.
Other names: c.2729C>G, p.Pro910Arg (NM_001321307.1); short protein forms P910R.
Identifiers: ClinVar variation 3407239 (VCV003407239.1).